The following is an entry in ClinVar:

ClinVar aggregate classification (germline): Likely pathogenic (1 of 4 stars; one submission).

Submission:

Labcorp Genetics (formerly Invitae), Labcorp
Classification: Likely pathogenic. Last evaluated: 2024-04-10. Review status: criteria provided, single submitter. Criteria: Invitae Variant Classification Sherloc (09022015). Collection method: clinical testing. Allele origin: germline.
Comment: This sequence change replaces glycine, which is neutral and non-polar, with glutamic acid, which is acidic and polar, at codon 1122 of the COL2A1 protein (p.Gly1122Glu). This variant is not present in population databases (gnomAD no frequency). This variant has not been reported in the literature in individuals affected with COL2A1-related conditions. ClinVar contains an entry for this variant (Variation ID: 1347185). Advanced modeling of protein sequence and biophysical properties (such as structural, functional, and spatial information, amino acid conservation, physicochemical variation, residue mobility, and thermodynamic stability) performed at Invitae indicates that this missense variant is expected to disrupt COL2A1 protein function with a positive predictive value of 95%. This variant disrupts the triple helix domain of COL2A1. Glycine residues within the Gly-Xaa-Yaa repeats of the triple helix domain are required for the structure and stability of fibrillar collagens (PMID: 7695699, 8218237, 19344236). In COL2A1, variants affecting these glycine residues are significantly enriched in individuals with disease (PMID: 9016532, 17078022) compared to the general population (ExAC). In summary, the currently available evidence indicates that the variant is pathogenic, but additional data are needed to prove that conclusively. Therefore, this variant has been classified as Likely Pathogenic.

Literature cited by the submitters: PubMed 7695699; PubMed 8218237; PubMed 19344236; PubMed 9016532; PubMed 17078022.

NM_001844.5(COL2A1):c.3365G>A (p.Gly1122Glu)

Gene: COL2A1 (collagen type II alpha 1 chain; minus strand). Cytogenetic location: 12q13.11.
Variant type: single nucleotide variant.
Coding change: c.3365G>A on transcript NM_001844.5 (MANE Select); coding-DNA position 3365, G replaced by A.
Protein change: p.Gly1122Glu; replaces glycine 1122 with glutamic acid.
Molecular consequence: missense variant.
Genome position (GRCh38, 1-based): chr12:47,976,882, C>T on the plus strand (G>A on the coding strand, the complement: COL2A1 is on the minus strand). VCF-style: chr12-47976882-C-T. GRCh37 (hg19) VCF-style: chr12-48370665-C-T.
Other names: c.3158G>A, p.Gly1053Glu (NM_033150.3); short protein forms G1053E, G1122E.
Identifiers: ClinVar variation 1347185 (VCV001347185.6), dbSNP rs1592199342, ClinGen allele CA384539020.